The following is an entry in ClinVar:

NM_001127222.2(CACNA1A):c.5749C>A (p.Gln1917Lys)

Gene: CACNA1A (calcium voltage-gated channel subunit alpha1 A; minus strand). Cytogenetic location: 19p13.13.
Variant type: single nucleotide variant.
Coding change: c.5749C>A on transcript NM_001127222.2 (MANE Select); coding-DNA position 5749, C replaced by A.
Protein change: p.Gln1917Lys; replaces glutamine 1917 with lysine.
Molecular consequence: missense variant.
Genome position (GRCh38, 1-based): chr19:13,214,591, G>T on the plus strand (C>A on the coding strand, the complement: CACNA1A is on the minus strand). VCF-style: chr19-13214591-G-T. GRCh37 (hg19) VCF-style: chr19-13325405-G-T.
Other names: c.5767C>A, p.Gln1923Lys (NM_000068.4, NM_023035.3); c.5752C>A, p.Gln1918Lys (NM_001127221.2); c.5758C>A, p.Gln1920Lys (NM_001174080.2); short protein forms Q1917K, Q1918K, Q1920K, Q1923K.
Identifiers: ClinVar variation 2633040 (VCV002633040.1), dbSNP rs2512545118, ClinGen allele CA404334632.
Genomic context (GRCh38, chr19:13,214,591, plus strand): 5'-TCTTCTGGGACAGATTGGGCCAAATCGCCATCATCTCCTTCCGCAGCTCAGCGTCCATCT[G>T]CTGTTTGTCGGCTCCTCCTGCAATGGGGGTGTAGACAGACCCTGACTGCCTGCCTGGGTG-3'
Protein context (NP_001120694.1, residues 1907-1927): KIAKGGADKQ[Gln1917Lys]MDAELRKEMM

ClinVar aggregate classification (germline): Uncertain significance (1 of 4 stars; one submission).

Conditions:
CACNA1A-related disorder. Also called: CACNA1A-related condition.

Submission:

PreventionGenetics, part of Exact Sciences
Classification: Uncertain significance for CACNA1A-related condition. Last evaluated: 2023-04-19. Review status: criteria provided, single submitter. Criteria: ACMG Guidelines, 2015. Collection method: clinical testing. Allele origin: germline.
Comment: The CACNA1A c.5749C>A variant is predicted to result in the amino acid substitution p.Gln1917Lys. To our knowledge, this variant has not been reported in the literature or in a large population database, indicating this variant is rare. At this time, the clinical significance of this variant is uncertain due to the absence of conclusive functional and genetic evidence.